The following is an entry in ClinVar:

NM_001953.5(TYMP):c.1072C>T (p.Arg358Ter)

Genes: SCO2 (synthesis of cytochrome C oxidase 2; minus strand), TYMP (thymidine phosphorylase; minus strand), LOC130067862 (ATAC-STARR-seq lymphoblastoid silent region 13986; plus strand). Cytogenetic location: 22q13.33.
Variant type: single nucleotide variant.
Coding change: c.1072C>T on transcript NM_001953.5 (MANE Select); coding-DNA position 1072, C replaced by T.
Protein change: p.Arg358Ter; replaces arginine 358 with a stop codon.
Molecular consequence: nonsense. On other transcripts: 5 prime UTR variant (1).
Genome position (GRCh38, 1-based): chr22:50,526,333, G>A on the plus strand (C>T on the coding strand, the complement: TYMP is on the minus strand). VCF-style: chr22-50526333-G-A. GRCh37 (hg19) VCF-style: chr22-50964762-G-A.
Other names: c.1072C>T, p.Arg358Ter (NM_001113756.3, NM_001257988.1, NM_001257989.1 and 1 more transcripts); c.-101C>T (NM_001169109.2); short protein forms R358*.
Identifiers: ClinVar variation 3700169 (VCV003700169.3).

ClinVar aggregate classification (germline): Pathogenic (1 of 4 stars; one submission).

Submission:

Labcorp Genetics (formerly Invitae), Labcorp
Classification: Pathogenic. Last evaluated: 2025-09-03. Review status: criteria provided, single submitter. Criteria: Invitae Variant Classification Sherloc (09022015). Collection method: clinical testing. Allele origin: germline.
Comment: This sequence change creates a premature translational stop signal (p.Arg358*) in the TYMP gene. It is expected to result in an absent or disrupted protein product. Loss-of-function variants in TYMP are known to be pathogenic (PMID: 9924029, 15781193). This variant is not present in population databases (gnomAD no frequency). This variant has not been reported in the literature in individuals affected with TYMP-related conditions. ClinVar contains an entry for this variant (Variation ID: 3700169). For these reasons, this variant has been classified as Pathogenic.

Literature cited by the submitters: PubMed 9924029; PubMed 15781193.